The following is an entry in ClinVar:

ClinVar aggregate classification (germline): Pathogenic. Review status: criteria provided, multiple submitters, no conflicts (2 of 4 stars). 7 submissions from 7 submitters: Pathogenic (4). 3 of the submissions do not count toward it. Last evaluated 2025-08-07.

Conditions:
Dominant beta-thalassemia. Also called: Beta-thalassemia, dominant inclusion body type. Identifiers: Orphanet 231226, Orphanet 848, MedGen C1858990, MONDO:0011381, OMIM 603902.
beta Thalassemia (BTHAL). Also called: Cooley's anemia; Erythroblastic anemia; Mediterranean anemia. Identifiers: Orphanet 848, MedGen C0005283, MONDO:0019402. Disease mechanism: loss of function.
Beta zero thalassemia. Identifiers: MedGen C0271980.

Submissions (7):

Natera, Inc.
Classification: Pathogenic for Beta thalassemia. Last evaluated: 2025-08-07. Review status: criteria provided, single submitter. Criteria: Natera Variant Classification Schema (03/2026). Collection method: clinical testing. Allele origin: germline.
Comment: The c.3G>A variant in HBB is predicted to result in start loss due to disruption of the initiator methionine. This variant is expected to result in nonsense mediated decay, truncation, or a dysfunctional protein product. This variant is rare in the general population with a frequency below the threshold expected for the associated phenotype(s). This variant has been observed in affected individual(s) with monoallelic occurrence (heterozygous/hemizygous) (PMID: 7864023, 1301952, 28670940). This variant has been observed to segregate in affected family members (PMID: 7864023). Given the available evidence, this variant is classified as Pathogenic.

Women's Health and Genetics/Laboratory Corporation of America, LabCorp
Classification: Pathogenic for Dominant beta-thalassemia. Last evaluated: 2022-03-21. Review status: criteria provided, single submitter. Criteria: LabCorp Variant Classification Summary - May 2015. Collection method: clinical testing. Allele origin: germline.
Comment: Variant summary: HBB c.3G>A alters the initiation codon (therefore the predicted protein level name is p.Met1Ile) and is expected to result either in absence of the protein or truncation of the encoded protein due to translation initiation at a downstream codon. The variant was absent in 251128 control chromosomes (gnomAD). c.3G>A has been reported in the literature in multiple individuals in the heterozygous state, who had hematologic findings characteristic for Beta Thalassemia Minor (Saba_1991, Landin_1995, Vetter_1997), in addition, one of the reported heterozygous individuals had child(ren) with transfusion-dependent thalassemia (Hussain_2017). These data indicate that the variant in homozygosity and/or compound heterozygosity with a severe variant, is likely to cause the BTHAL MJR phenotype. To our knowledge, no experimental evidence demonstrating an impact on protein function has been reported. Other variants affecting the initiation codon (e.g. c.1A>G, c.2T>G, c.2T>C) have been classified as pathogenic by our laboratory. Three submitters have provided clinical-significance assessments for this variant to ClinVar after 2014 without evidence for independent evaluation, and all classified the variant as pathogenic. Based on the evidence outlined above, the variant was classified as pathogenic.

Quest Diagnostics Nichols Institute San Juan Capistrano
Classification: Pathogenic. Last evaluated: 2017-02-06. Review status: criteria provided, single submitter. Criteria: Quest Diagnostics criteria. Collection method: clinical testing. Allele origin: germline.

ARUP Laboratories, Molecular Genetics and Genomics, ARUP Laboratories
Classification: Pathogenic. Last evaluated: 2017-02-04. Review status: criteria provided, single submitter. Criteria: ARUP Molecular Germline Variant Investigation Process. Collection method: clinical testing. Allele origin: germline.

Molecular Genetics Laboratory, BC Children's and BC Women's Hospitals
Classification: Pathogenic for beta Thalassemia. Last evaluated: 2024-11-01. Review status: no assertion criteria provided. Criteria: ACMG Guidelines, 2015. Collection method: clinical testing. Allele origin: germline. Affected: yes. Not counted in ClinVar's aggregate classification.

The ITHANET community portal, The Cyprus Institute of Neurology and Genetics
Classification: Pathogenic for beta Thalassemia. Last evaluated: 2019-11-25. Review status: no assertion criteria provided. Collection method: curation. Allele origin: germline. Not counted in ClinVar's aggregate classification.

OMIM
Classification: Pathogenic for BETA-ZERO-THALASSEMIA. Last evaluated: 1993-06-01. Review status: no assertion criteria provided. Collection method: literature only. Allele origin: germline. Not counted in ClinVar's aggregate classification.

Literature cited by the submitters: PubMed 7864023 (cited by 4 submitters); PubMed 1301952 (cited by 5 submitters); PubMed 28670940 (cited by Natera, Inc. and Women's Health and Genetics/Laboratory Corporation of America, LabCorp); PubMed 9163586 (cited by Women's Health and Genetics/Laboratory Corporation of America, LabCorp); PubMed 9371531 (cited by Quest Diagnostics Nichols Institute San Juan Capistrano); PubMed 19429541 (cited by Quest Diagnostics Nichols Institute San Juan Capistrano); PubMed 8330972 (cited by OMIM).

NM_000518.5(HBB):c.3G>A (p.Met1Ile)

Genes: HBB (hemoglobin subunit beta; minus strand), LOC106099062 (HBB recombination region; plus strand), LOC107133510 (origin of replication at HBB; plus strand). Cytogenetic location: 11p15.4.
Variant type: single nucleotide variant.
Coding change: c.3G>A on transcript NM_000518.5 (MANE Select); coding-DNA position 3, G replaced by A.
Protein change: p.Met1Ile; changes the start codon (methionine 1).
Molecular consequence: missense variant, initiator codon variant.
Genome position (GRCh38, 1-based): chr11:5,227,019, C>T on the plus strand (G>A on the coding strand, the complement: HBB is on the minus strand). VCF-style: chr11-5227019-C-T. GRCh37 (hg19) VCF-style: chr11-5248249-C-T.
Other names: Init CD ATG>ATA; short protein forms M1I.
Identifiers: ClinVar variation 15519 (VCV000015519.14), dbSNP rs33930702, ClinGen allele CA125383.